The following is an entry in ClinVar:

ClinVar aggregate classification (germline): Likely pathogenic (1 of 4 stars; one submission).

Conditions:
Bainbridge-Ropers syndrome. Also called: Severe feeding difficulties-failure to thrive-microcephaly due to ASXL3 deficiency syndrome. Identifiers: Orphanet 352577, MedGen C4750837, MONDO:0014205, OMIM 615485.

Submission:

Centre for Mendelian Genomics, University Medical Centre Ljubljana
Classification: Likely pathogenic for Bainbridge-Ropers syndrome. Last evaluated: 2020-03-26. Review status: criteria provided, single submitter. Criteria: ACMG Guidelines, 2015. Collection method: clinical testing. Allele origin: unknown. Affected: yes.
Comment: This variant was classified as: Likely pathogenic. The following ACMG criteria were applied in classifying this variant: PVS1,PM2.

NM_030632.3(ASXL3):c.3785_3786del (p.Ser1262fs)

Gene: ASXL3 (ASXL transcriptional regulator 3; plus strand). Cytogenetic location: 18q12.1.
Variant type: Microsatellite.
Coding change: c.3785_3786del on transcript NM_030632.3 (MANE Select); coding-DNA positions 3785 to 3786, 2 bases deleted (CT; older notation c.3785_3786delCT).
Protein change: p.Ser1262fs; shifts the reading frame from serine 1262.
Molecular consequence: frameshift variant.
Genome position (GRCh38, 1-based): chr18:33,743,633-33,743,634, CT deleted; deleting any 2 consecutive bases within chr18:33,743,631-33,743,634 gives the same sequence; the c. name uses the placement nearest the transcript's 3' end. VCF-style (leftmost placement, unchanged base first): chr18-33743630-CCT-C. GRCh37 (hg19) VCF-style: chr18-31323594-CCT-C.
Other names: short protein forms S1262fs.
Identifiers: ClinVar variation 930730 (VCV000930730.3), dbSNP rs2067707522, ClinGen allele CA2294857784.